The following is an entry in ClinVar:

NM_002618.4(PEX13):c.611G>C (p.Gly204Ala)

Gene: PEX13 (peroxisomal biogenesis factor 13; plus strand). Cytogenetic location: 2p15.
Variant type: single nucleotide variant.
Coding change: c.611G>C on transcript NM_002618.4 (MANE Select); coding-DNA position 611, G replaced by C.
Protein change: p.Gly204Ala; replaces glycine 204 with alanine.
Molecular consequence: missense variant.
Genome position (GRCh38, 1-based): chr2:61,031,937, G>C. VCF-style: chr2-61031937-G-C. GRCh37 (hg19) VCF-style: chr2-61259072-G-C.
Other names: short protein forms G204A.
Identifiers: ClinVar variation 2029176 (VCV002029176.3), dbSNP rs752948360, ClinGen allele CA346944043.

ClinVar aggregate classification (germline): Uncertain significance (1 of 4 stars; one submission).

Conditions:
Peroxisome biogenesis disorder 11A (Zellweger). Also called: Peroxisome biogenesis disorder 11A. Identifiers: Orphanet 912, MedGen C3554000, MONDO:0013949, OMIM 614883.

Submission:

Labcorp Genetics (formerly Invitae), Labcorp
Classification: Uncertain significance for Peroxisome biogenesis disorder 11A (Zellweger). Last evaluated: 2024-05-29. Review status: criteria provided, single submitter. Criteria: Invitae Variant Classification Sherloc (09022015). Collection method: clinical testing. Allele origin: germline.
Comment: This sequence change replaces glycine, which is neutral and non-polar, with alanine, which is neutral and non-polar, at codon 204 of the PEX13 protein (p.Gly204Ala). This variant is not present in population databases (gnomAD no frequency). This variant has not been reported in the literature in individuals affected with PEX13-related conditions. ClinVar contains an entry for this variant (Variation ID: 2029176). Advanced modeling of protein sequence and biophysical properties (such as structural, functional, and spatial information, amino acid conservation, physicochemical variation, residue mobility, and thermodynamic stability) performed at Invitae indicates that this missense variant is not expected to disrupt PEX13 protein function with a negative predictive value of 80%. In summary, the available evidence is currently insufficient to determine the role of this variant in disease. Therefore, it has been classified as a Variant of Uncertain Significance.